The following is an entry in ClinVar:

ClinVar aggregate classification (germline): Uncertain significance. Review status: criteria provided, multiple submitters, no conflicts (2 of 4 stars). 2 submissions from 2 submitters: Uncertain significance (2). Last evaluated 2025-11-24.

Allele frequency attached by ClinVar (database versions not stated): gnomAD exomes below 0.00001; TOPMed below 0.00001.
gnomAD v4.1: 1 of 1,614,104 alleles (0.000062%); highest among the groups gnomAD compares: Admixed American, 0.0017%; no homozygotes.

Submissions (2):

Labcorp Genetics (formerly Invitae), Labcorp
Classification: Uncertain significance. Last evaluated: 2025-11-24. Review status: criteria provided, single submitter. Criteria: Invitae Variant Classification Sherloc (09022015). Collection method: clinical testing. Allele origin: germline.
Comment: This sequence change replaces leucine, which is neutral and non-polar, with phenylalanine, which is neutral and non-polar, at codon 1992 of the TECTA protein (p.Leu1992Phe). This variant is present in population databases (no rsID available, gnomAD 0.003%). This variant has not been reported in the literature in individuals affected with TECTA-related conditions. ClinVar contains an entry for this variant (Variation ID: 1307612). Invitae Evidence Modeling of protein sequence and biophysical properties (such as structural, functional, and spatial information, amino acid conservation, physicochemical variation, residue mobility, and thermodynamic stability) has been performed for this missense variant. However, the output from this modeling did not meet the statistical confidence thresholds required to predict the impact of this variant on TECTA protein function. In summary, the available evidence is currently insufficient to determine the role of this variant in disease. Therefore, it has been classified as a Variant of Uncertain Significance.

GeneDx
Classification: Uncertain significance. Last evaluated: 2019-08-01. Review status: criteria provided, single submitter. Criteria: GeneDx Variant Classification Process June 2021. Collection method: clinical testing. Allele origin: germline. Affected: yes.
Comment: In silico analysis, which includes protein predictors and evolutionary conservation, supports that this variant does not alter protein structure/function; Has not been previously published as pathogenic or benign to our knowledge

NM_005422.4(TECTA):c.5974C>T (p.Leu1992Phe)

Genes: TBCEL-TECTA (TBCEL-TECTA readthrough; plus strand), TECTA (tectorin alpha; plus strand). Cytogenetic location: 11q23.3.
Variant type: single nucleotide variant.
Coding change: c.5974C>T on transcript NM_005422.4 (MANE Select); coding-DNA position 5974, C replaced by T.
Protein change: p.Leu1992Phe; replaces leucine 1992 with phenylalanine.
Molecular consequence: missense variant.
Genome position (GRCh38, 1-based): chr11:121,168,900, C>T. VCF-style: chr11-121168900-C-T. GRCh37 (hg19) VCF-style: chr11-121039609-C-T.
Other names: c.6916C>T, p.Leu2306Phe (NM_001378761.1); short protein forms L1992F, L2306F.
Identifiers: ClinVar variation 1307612 (VCV001307612.3), dbSNP rs1189647725, ClinGen allele CA383037030.
Genomic context (GRCh38, chr11:121,168,900, plus strand): 5'-CATTTAATCCTAACACTCAACAAATGCTATGCCACACCCACCCGAGATAGCAATGATAAG[C>T]TCCGATATTTCATCATTGAAGGAGGGTGAGTAGCCTCTTTATAGACAACATTCTCAGAGC-3'
Protein context (NP_005413.2, residues 1982-2002): ATPTRDSNDK[Leu1992Phe]RYFIIEGGCQ